The following is an entry in ClinVar:

NM_005482.3(PIGK):c.737T>A (p.Met246Lys)

Gene: PIGK (phosphatidylinositol glycan anchor biosynthesis class K; minus strand). Cytogenetic location: 1p31.1.
Variant type: single nucleotide variant.
Coding change: c.737T>A on transcript NM_005482.3 (MANE Select); coding-DNA position 737, T replaced by A.
Protein change: p.Met246Lys; replaces methionine 246 with lysine.
Molecular consequence: missense variant.
Genome position (GRCh38, 1-based): chr1:77,161,371, A>T on the plus strand (T>A on the coding strand, the complement: PIGK is on the minus strand). VCF-style: chr1-77161371-A-T. GRCh37 (hg19) VCF-style: chr1-77627056-A-T.
Other names: short protein forms M246K.
Identifiers: ClinVar variation 1305271 (VCV001305271.2), dbSNP rs751082508, ClinGen allele CA340861173.

ClinVar aggregate classification (germline): Uncertain significance (1 of 4 stars; one submission).

Submission:

GeneDx
Classification: Uncertain significance. Last evaluated: 2019-05-01. Review status: criteria provided, single submitter. Criteria: GeneDx Variant Classification Process June 2021. Collection method: clinical testing. Allele origin: germline. Affected: yes.
Comment: Has not been previously published as pathogenic or benign to our knowledge; Not observed in large population cohorts (Lek et al., 2016); In silico analysis, which includes protein predictors and evolutionary conservation, supports a deleterious effect; Variants in candidate genes are classified as variants of uncertain significance in accordance with ACMG guidelines (Richards et al., 2015); This variant is associated with the following publications: (PMID: 32220290)